The following is an entry in ClinVar:

ClinVar aggregate classification (germline): Uncertain significance (1 of 4 stars; one submission).

Conditions:
Ehlers-Danlos syndrome, classic type, 1 (EDSCL1). Also called: Ehlers-Danlos Syndrome, Classic Type, COL5A1-Related; EDS I; Ehlers-Danlos syndrome, type 1; EHLERS-DANLOS SYNDROME, GRAVIS TYPE; EHLERS-DANLOS SYNDROME, SEVERE CLASSIC TYPE. Identifiers: MedGen C0268335, MONDO:0019567, OMIM 130000.

Allele frequency attached by ClinVar (database versions not stated): TOPMed below 0.00001; gnomAD exomes below 0.00001.
gnomAD v4.1: 1 of 1,613,964 alleles (0.000062%); highest among the groups gnomAD compares: Non-Finnish European, 0.000085%; no homozygotes.

Submission:

Labcorp Genetics (formerly Invitae), Labcorp
Classification: Uncertain significance for Ehlers-Danlos syndrome, classic type, 1. Last evaluated: 2017-11-23. Review status: criteria provided, single submitter. Criteria: Invitae Variant Classification Sherloc (09022015). Collection method: clinical testing. Allele origin: germline.
Comment: Algorithms developed to predict the effect of missense changes on protein structure and function do not agree on the potential impact of this missense change (SIFT: "Deleterious"; PolyPhen-2: "Probably Damaging"; Align-GVGD: "Class C0"). This sequence change replaces glutamine with arginine at codon 223 of the COL5A1 protein (p.Gln223Arg). The glutamine residue is moderately conserved and there is a small physicochemical difference between glutamine and arginine. This variant is not present in population databases (ExAC no frequency). This variant has not been reported in the literature in individuals with COL5A1-related disease. In summary, the available evidence is currently insufficient to determine the role of this variant in disease. Therefore, it has been classified as a Variant of Uncertain Significance.

NM_000093.5(COL5A1):c.668A>G (p.Gln223Arg)

Gene: COL5A1 (collagen type V alpha 1 chain; plus strand). Cytogenetic location: 9q34.3.
Variant type: single nucleotide variant.
Coding change: c.668A>G on transcript NM_000093.5 (MANE Select); coding-DNA position 668, A replaced by G.
Protein change: p.Gln223Arg; replaces glutamine 223 with arginine.
Molecular consequence: missense variant.
Genome position (GRCh38, 1-based): chr9:134,727,279, A>G. VCF-style: chr9-134727279-A-G. GRCh37 (hg19) VCF-style: chr9-137619125-A-G.
Other names: c.668A>G, p.Gln223Arg (NM_001278074.1); short protein forms Q223R.
Identifiers: ClinVar variation 529271 (VCV000529271.10), dbSNP rs1554787531, ClinGen allele CA375446210.